The following is an entry in ClinVar:

ClinVar aggregate classification (germline): Likely benign (1 of 4 stars; one submission).

Allele frequency attached by ClinVar (database versions not stated): ExAC 0.00001; gnomAD exomes 0.00001; ESP Exome Variant Server 0.00008.
gnomAD v4.1: 24 of 1,611,204 alleles (0.0015%); highest among the groups gnomAD compares: Admixed American, 0.01%; no homozygotes.

Submission:

CeGaT Center for Human Genetics Tuebingen
Classification: Likely benign. Last evaluated: 2023-04-01. Review status: criteria provided, single submitter. Criteria: CeGaT Center For Human Genetics Tuebingen Variant Classification Criteria Version 2. Collection method: clinical testing. Allele origin: germline. Affected: yes. Observed: 1 variant allele.
Comment: WDR81: BP4, BP7

NM_001163809.2(WDR81):c.4995C>T (p.Ser1665=)

Gene: WDR81 (WD repeat domain 81; plus strand). Cytogenetic location: 17p13.3.
Variant type: single nucleotide variant.
Coding change: c.4995C>T on transcript NM_001163809.2 (MANE Select); coding-DNA position 4995, C replaced by T.
Protein change: p.Ser1665=; no amino-acid change (serine 1665 retained).
Molecular consequence: synonymous variant.
Genome position (GRCh38, 1-based): chr17:1,734,032, C>T. VCF-style: chr17-1734032-C-T. GRCh37 (hg19) VCF-style: chr17-1637326-C-T.
Other names: c.1386C>T, p.Ser462= (NM_001163673.2); c.1314C>T, p.Ser438= (NM_001163811.2); c.1842C>T, p.Ser614= (NM_152348.4).
Identifiers: ClinVar variation 2570965 (VCV002570965.27), dbSNP rs143987787, ClinGen allele CA8273725.